The following is an entry in ClinVar:

NM_000334.4(SCN4A):c.4706G>T (p.Gly1569Val)

Genes: GH-LCR (growth hormone locus control region; plus strand), SCN4A (sodium voltage-gated channel alpha subunit 4; minus strand). Cytogenetic location: 17q23.3.
Variant type: single nucleotide variant.
Coding change: c.4706G>T on transcript NM_000334.4 (MANE Select); coding-DNA position 4706, G replaced by T.
Protein change: p.Gly1569Val; replaces glycine 1569 with valine.
Molecular consequence: missense variant.
Genome position (GRCh38, 1-based): chr17:63,941,576, C>A on the plus strand (G>T on the coding strand, the complement: SCN4A is on the minus strand). VCF-style: chr17-63941576-C-A. GRCh37 (hg19) VCF-style: chr17-62018936-C-A.
Other names: short protein forms G1569V.
Identifiers: ClinVar variation 1467799 (VCV001467799.7), dbSNP rs373017435, ClinGen allele CA8708912.

ClinVar aggregate classification (germline): Uncertain significance. Review status: criteria provided, multiple submitters, no conflicts (2 of 4 stars). 2 submissions from 2 submitters: Uncertain significance (2). Last evaluated 2026-01-22.

Conditions:
Paramyotonia congenita of Von Eulenburg. Also called: PARALYSIS PERIODICA PARAMYOTONICA; Paramyotonia Congenita; Eulenburg disease; Myotonia congenita intermittens; Von Eulenburg paramyotonia congenita. Identifiers: Orphanet 684, MedGen C0221055, MONDO:0008195, OMIM 168300. Disease mechanism: loss of function.
Congenital myopathy 22A, classic (CMYO22A). Identifiers: MedGen C5830453, MONDO:0957247, OMIM 620351.
Congenital myopathy 22B, severe fetal (CMYO22B). Identifiers: MedGen C5830501, MONDO:0957265, OMIM 620369.
Hypokalemic periodic paralysis, type 2 (HOKPP2). Identifiers: Orphanet 681, MedGen C2750061, MONDO:0013234, OMIM 613345.
Potassium-aggravated myotonia. Also called: MYOTONIA CONGENITA, ACETAZOLAMIDE-RESPONSIVE; MYOTONIA CONGENITA, ATYPICAL; SODIUM CHANNEL MUSCLE DISEASE; Myotonia congenita, atypical, acetazolamide-responsive. Identifiers: Orphanet 612, Orphanet 99734, Orphanet 99735, Orphanet 99736, MedGen C2931826, MONDO:0018959, OMIM 608390.
Congenital myasthenic syndrome 16. Identifiers: Orphanet 590, MedGen C3280112, MONDO:0013620, OMIM 614198.
Hyperkalemic periodic paralysis. Also called: Familial hyperkalemic periodic paralysis; Gamstorp disease. Identifiers: Orphanet 682, MedGen C0238357, MONDO:0008224, OMIM 170500, HP:0007215.

Allele frequency attached by ClinVar (database versions not stated): ExAC 0.00002; gnomAD 0.00001; TOPMed 0.00001; gnomAD exomes 0.00002 and below 0.00001; ESP Exome Variant Server 0.00008.
gnomAD v4.1: 7 of 1,613,940 alleles (0.00043%); highest among the groups gnomAD compares: Admixed American, 0.0067%; no homozygotes.

Submissions (2):

Labcorp Genetics (formerly Invitae), Labcorp
Classification: Uncertain significance for Hyperkalemic periodic paralysis. Last evaluated: 2026-01-22. Review status: criteria provided, single submitter. Criteria: Invitae Variant Classification Sherloc (09022015). Collection method: clinical testing. Allele origin: germline.
Comment: This sequence change replaces glycine, which is neutral and non-polar, with valine, which is neutral and non-polar, at codon 1569 of the SCN4A protein (p.Gly1569Val). This variant is present in population databases (rs373017435, gnomAD 0.009%). This variant has not been reported in the literature in individuals affected with SCN4A-related conditions. ClinVar contains an entry for this variant (Variation ID: 1467799). Invitae Evidence Modeling of protein sequence and biophysical properties (such as structural, functional, and spatial information, amino acid conservation, physicochemical variation, residue mobility, and thermodynamic stability) indicates that this missense variant is expected to disrupt SCN4A protein function with a positive predictive value of 95%. In summary, the available evidence is currently insufficient to determine the role of this variant in disease. Therefore, it has been classified as a Variant of Uncertain Significance.

Fulgent Genetics
Classification: Uncertain significance for Paramyotonia congenita of Von Eulenburg; Hyperkalemic periodic paralysis; Potassium-aggravated myotonia; Hypokalemic periodic paralysis, type 2; Congenital myasthenic syndrome 16; Congenital myopathy 22A, classic; Congenital myopathy 22B, severe fetal. Last evaluated: 2024-05-07. Review status: criteria provided, single submitter. Criteria: ACMG Guidelines, 2015. Collection method: clinical testing. Allele origin: germline.